The following is an entry in ClinVar:

NM_005612.5(REST):c.2413C>T (p.Leu805Phe)

Gene: REST (RE1 silencing transcription factor; plus strand). Cytogenetic location: 4q12.
Variant type: single nucleotide variant.
Coding change: c.2413C>T on transcript NM_005612.5 (MANE Select); coding-DNA position 2413, C replaced by T.
Protein change: p.Leu805Phe; replaces leucine 805 with phenylalanine.
Molecular consequence: missense variant.
Genome position (GRCh38, 1-based): chr4:56,931,271, C>T. VCF-style: chr4-56931271-C-T. GRCh37 (hg19) VCF-style: chr4-57797437-C-T.
Other names: c.2413C>T, p.Leu805Phe (NM_001193508.2, NM_001363453.3); short protein forms L805F.
Identifiers: ClinVar variation 1985726 (VCV001985726.4), dbSNP rs767066151, ClinGen allele CA2932479.

ClinVar aggregate classification (germline): Uncertain significance (1 of 4 stars; one submission).

gnomAD v4.1: 2 of 1,614,228 alleles (0.00012%); highest among the groups gnomAD compares: Non-Finnish European, 0.00017%; no homozygotes.

Submission:

Labcorp Genetics (formerly Invitae), Labcorp
Classification: Uncertain significance. Last evaluated: 2025-09-15. Review status: criteria provided, single submitter. Criteria: Invitae Variant Classification Sherloc (09022015). Collection method: clinical testing. Allele origin: germline.
Comment: This sequence change replaces leucine, which is neutral and non-polar, with phenylalanine, which is neutral and non-polar, at codon 805 of the REST protein (p.Leu805Phe). This variant is present in population databases (rs767066151, gnomAD 0.0009%). This variant has not been reported in the literature in individuals affected with REST-related conditions. ClinVar contains an entry for this variant (Variation ID: 1985726). An algorithm developed to predict the effect of missense changes on protein structure and function outputs the following: PolyPhen-2: "Benign". The phenylalanine amino acid residue is found in multiple mammalian species, which suggests that this missense change does not adversely affect protein function. In summary, the available evidence is currently insufficient to determine the role of this variant in disease. Therefore, it has been classified as a Variant of Uncertain Significance.